The following is an entry in ClinVar:

NM_007315.4(STAT1):c.1222-3T>C

Gene: STAT1 (signal transducer and activator of transcription 1; minus strand). Cytogenetic location: 2q32.2.
Variant type: single nucleotide variant.
Coding change: c.1222-3T>C on transcript NM_007315.4 (MANE Select); 3 bases into the intron before coding-DNA position 1222, T replaced by C.
Molecular consequence: intron variant.
Genome position (GRCh38, 1-based): chr2:190,985,663, A>G on the plus strand (T>C on the coding strand, the complement: STAT1 is on the minus strand). VCF-style: chr2-190985663-A-G. GRCh37 (hg19) VCF-style: chr2-191850389-A-G.
Other names: c.1132-3T>C (NM_001384890.1); c.1123-3T>C (NM_001384883.1); c.1063-3T>C (NM_001384885.1); c.1129-3T>C (NM_001384887.1); c.1162-3T>C (NM_001384880.1); c.1192-3T>C (NM_001384888.1); c.1216-3T>C (NM_001384882.1); c.1222-3T>C (NM_001384889.1, NM_001384886.1, NM_139266.3); and 2 more.
Identifiers: ClinVar variation 333277 (VCV000333277.8), dbSNP rs886055379, ClinGen allele CA10611868.
Genomic context (GRCh38, chr2:190,985,663, plus strand): 5'-ATAAAGGGACTCTCACCTCATTCGTTCTGGTGCCAGCATTTTTCTGTTCTTTCAATTGCT[A>G]TAAAACAAATAATCATCTTAGTAAACACCATGGTAATGGTCAAAGTTGCTATCTTCATTT-3'

ClinVar aggregate classification (germline): Uncertain significance. Review status: criteria provided, multiple submitters, no conflicts (2 of 4 stars). 2 submissions from 2 submitters: Uncertain significance (2). Last evaluated 2023-12-11.

Conditions:
Mendelian susceptibility to mycobacterial diseases due to partial STAT1 deficiency. Also called: IMMUNODEFICIENCY 31A, MYCOBACTERIOSIS, AUTOSOMAL DOMINANT; STAT1 DEFICIENCY, AUTOSOMAL DOMINANT; Immunodeficiency 31a. Identifiers: Orphanet 319595, MedGen C4013950, MONDO:0013956, OMIM 614892.
Immunodeficiency 31B. Also called: STAT1 DEFICIENCY, AUTOSOMAL RECESSIVE; IMMUNODEFICIENCY 31B, MYCOBACTERIAL AND VIRAL INFECTIONS, AUTOSOMAL RECESSIVE. Identifiers: Orphanet 391311, MedGen C3151088, MONDO:0013427, OMIM 613796.
Autoimmune enteropathy and endocrinopathy - susceptibility to chronic infections syndrome. Also called: Immunodeficiency 31C; Immunodeficiency 31C, autosomal dominant. Identifiers: Orphanet 391487, MedGen C3279990, MONDO:0013599, OMIM 614162.

Allele frequency attached by ClinVar (database versions not stated): gnomAD 0.00001; TOPMed 0.00001; gnomAD exomes below 0.00001.
gnomAD v4.1: 6 of 1,613,966 alleles (0.00037%); highest among the groups gnomAD compares: Non-Finnish European, 0.00051%; no homozygotes.

Submissions (2):

Labcorp Genetics (formerly Invitae), Labcorp
Classification: Uncertain significance for Mendelian susceptibility to mycobacterial diseases due to partial STAT1 deficiency; Immunodeficiency 31B; Autoimmune enteropathy and endocrinopathy - susceptibility to chronic infections syndrome. Last evaluated: 2023-12-11. Review status: criteria provided, single submitter. Criteria: Invitae Variant Classification Sherloc (09022015). Collection method: clinical testing. Allele origin: germline.
Comment: This sequence change falls in intron 14 of the STAT1 gene. It does not directly change the encoded amino acid sequence of the STAT1 protein. It affects a nucleotide within the consensus splice site. This variant is not present in population databases (gnomAD no frequency). This variant has not been reported in the literature in individuals affected with STAT1-related conditions. ClinVar contains an entry for this variant (Variation ID: 333277). Variants that disrupt the consensus splice site are a relatively common cause of aberrant splicing (PMID: 17576681, 9536098). Algorithms developed to predict the effect of sequence changes on RNA splicing suggest that this variant is not likely to affect RNA splicing. In summary, the available evidence is currently insufficient to determine the role of this variant in disease. Therefore, it has been classified as a Variant of Uncertain Significance.

Illumina Laboratory Services, Illumina
Classification: Uncertain significance for Mendelian susceptibility to mycobacterial diseases due to partial STAT1 deficiency. Last evaluated: 2018-01-12. Review status: criteria provided, single submitter. Criteria: ICSL Variant Classification Criteria 13 December 2019. Collection method: clinical testing. Allele origin: germline.

Literature cited by the submitters: PubMed 17576681 (cited by Labcorp Genetics (formerly Invitae), Labcorp); PubMed 9536098 (cited by Labcorp Genetics (formerly Invitae), Labcorp).